The following is an entry in ClinVar:

ClinVar aggregate classification (germline): Uncertain significance. Review status: criteria provided, multiple submitters, no conflicts (2 of 4 stars). 3 submissions from 3 submitters: Uncertain significance (3). Last evaluated 2023-12-27.

Conditions:
Fanconi renotubular syndrome 2 (FRTS2). Identifiers: MedGen C3150652, MONDO:0013247, OMIM 613388.
Hypophosphatemic nephrolithiasis/osteoporosis 1. Identifiers: Orphanet 244305, MedGen C2676786, MONDO:0012850, OMIM 612286.
Hypercalcemia, infantile, 2 (HCINF2). Identifiers: Orphanet 300547, MedGen C4310473, MONDO:0014851, OMIM 616963.

Allele frequency attached by ClinVar (database versions not stated): gnomAD exomes 0.00007 and 0.00013; ExAC 0.00016; 1000 Genomes Project 0.00020; gnomAD 0.00022; TOPMed 0.00029; 1000 Genomes Project 30x 0.00031; ESP Exome Variant Server 0.00046.
gnomAD v4.1: 130 of 1,610,108 alleles (0.0081%); highest among the groups gnomAD compares: African/African-American, 0.076%; no homozygotes.

Submissions (3):

Fulgent Genetics
Classification: Uncertain significance for Hypophosphatemic nephrolithiasis/osteoporosis 1; Fanconi renotubular syndrome 2; Hypercalcemia, infantile, 2. Last evaluated: 2023-12-27. Review status: criteria provided, single submitter. Criteria: ACMG Guidelines, 2015. Collection method: clinical testing. Allele origin: germline.

Labcorp Genetics (formerly Invitae), Labcorp
Classification: Uncertain significance. Last evaluated: 2022-08-22. Review status: criteria provided, single submitter. Criteria: Invitae Variant Classification Sherloc (09022015). Collection method: clinical testing. Allele origin: germline.
Comment: This sequence change replaces proline, which is neutral and non-polar, with leucine, which is neutral and non-polar, at codon 609 of the SLC34A1 protein (p.Pro609Leu). This variant is present in population databases (rs147711480, gnomAD 0.08%). This variant has not been reported in the literature in individuals affected with SLC34A1-related conditions. ClinVar contains an entry for this variant (Variation ID: 1370751). Algorithms developed to predict the effect of missense changes on protein structure and function output the following: SIFT: "Tolerated"; PolyPhen-2: "Benign"; Align-GVGD: "Class C0". The leucine amino acid residue is found in multiple mammalian species, which suggests that this missense change does not adversely affect protein function. In summary, the available evidence is currently insufficient to determine the role of this variant in disease. Therefore, it has been classified as a Variant of Uncertain Significance.

GeneDx
Classification: Uncertain significance. Last evaluated: 2022-06-06. Review status: criteria provided, single submitter. Criteria: GeneDx Variant Classification Process June 2021. Collection method: clinical testing. Allele origin: germline. Affected: yes.
Comment: In silico analysis supports that this missense variant does not alter protein structure/function; Has not been previously published as pathogenic or benign to our knowledge

NM_003052.5(SLC34A1):c.1826C>T (p.Pro609Leu)

Gene: SLC34A1 (solute carrier family 34 member 1; plus strand). Cytogenetic location: 5q35.3.
Variant type: single nucleotide variant.
Coding change: c.1826C>T on transcript NM_003052.5 (MANE Select); coding-DNA position 1826, C replaced by T.
Protein change: p.Pro609Leu; replaces proline 609 with leucine.
Molecular consequence: missense variant.
Genome position (GRCh38, 1-based): chr5:177,398,192, C>T. VCF-style: chr5-177398192-C-T. GRCh37 (hg19) VCF-style: chr5-176825193-C-T.
Other names: short protein forms P609L.
Identifiers: ClinVar variation 1370751 (VCV001370751.7), dbSNP rs147711480, ClinGen allele CA3580888.